The following is an entry in ClinVar:

ClinVar aggregate classification (germline): Uncertain significance (1 of 4 stars; one submission).

Conditions:
Hereditary cancer-predisposing syndrome. Also called: Neoplastic Syndromes, Hereditary; Tumor predisposition; Hereditary Cancer Syndrome; Hereditary neoplastic syndrome. Identifiers: Orphanet 140162, MedGen C0027672, MeSH D009386, MONDO:0015356.

Submission:

Color Diagnostics, LLC DBA Color Health
Classification: Uncertain significance for Hereditary cancer-predisposing syndrome. Last evaluated: 2023-06-26. Review status: criteria provided, single submitter. Criteria: ACMG Guidelines, 2015. Collection method: clinical testing. Allele origin: germline.
Comment: This missense variant replaces lysine with asparagine at codon 187 of the CDH1 protein. To our knowledge, functional studies have not been reported for this variant. This variant has not been reported in individuals affected with CDH1-related disorders in the literature. This variant has not been identified in the general population by the Genome Aggregation Database (gnomAD). The available evidence is insufficient to determine the role of this variant in disease conclusively. Therefore, this variant is classified as a Variant of Uncertain Significance.

NM_004360.5(CDH1):c.561G>C (p.Lys187Asn)

Gene: CDH1 (cadherin 1; plus strand). Cytogenetic location: 16q22.1.
Variant type: single nucleotide variant.
Coding change: c.561G>C on transcript NM_004360.5 (MANE Select); coding-DNA position 561, G replaced by C.
Protein change: p.Lys187Asn; replaces lysine 187 with asparagine.
Molecular consequence: missense variant. On other transcripts: 5 prime UTR variant (2).
Genome position (GRCh38, 1-based): chr16:68,808,722, G>C. VCF-style: chr16-68808722-G-C. GRCh37 (hg19) VCF-style: chr16-68842625-G-C.
Other names: c.561G>C, p.Lys187Asn (NM_001317184.2); c.-1055G>C (NM_001317185.2); c.-1259G>C (NM_001317186.2); short protein forms K187N.
Identifiers: ClinVar variation 2775031 (VCV002775031.2), dbSNP rs765426607, ClinGen allele CA396457905.